The following is an entry in ClinVar:

ClinVar aggregate classification (germline): Likely benign. Review status: criteria provided, multiple submitters, no conflicts (2 of 4 stars). 2 submissions from 2 submitters: Likely benign (2). Last evaluated 2026-08-01.

Allele frequency attached by ClinVar (database versions not stated): gnomAD exomes below 0.00001 and 0.00001; gnomAD 0.00001; ExAC 0.00002; TOPMed 0.00002; ESP Exome Variant Server 0.00008.
gnomAD v4.1: 16 of 1,612,824 alleles (0.00099%); highest among the groups gnomAD compares: Non-Finnish European, 0.0014%; no homozygotes.

Submissions (2):

CeGaT Center for Human Genetics Tuebingen
Classification: Likely benign. Last evaluated: 2026-08-01. Review status: criteria provided, single submitter. Criteria: CeGaT Center For Human Genetics Tuebingen Variant Classification Criteria Version 2. Collection method: clinical testing. Allele origin: germline. Affected: yes. Observed: 1 variant allele.
Comment: COL4A4: BP4, BP7

Labcorp Genetics (formerly Invitae), Labcorp
Classification: Likely benign. Last evaluated: 2023-10-16. Review status: criteria provided, single submitter. Criteria: Invitae Variant Classification Sherloc (09022015). Collection method: clinical testing. Allele origin: germline.

NM_000092.5(COL4A4):c.1377C>T (p.Tyr459=)

Gene: COL4A4 (collagen type IV alpha 4 chain; minus strand). Cytogenetic location: 2q36.3.
Variant type: single nucleotide variant.
Coding change: c.1377C>T on transcript NM_000092.5 (MANE Select); coding-DNA position 1377, C replaced by T.
Protein change: p.Tyr459=; no amino-acid change (tyrosine 459 retained).
Molecular consequence: synonymous variant.
Genome position (GRCh38, 1-based): chr2:227,089,950, G>A on the plus strand (C>T on the coding strand, the complement: COL4A4 is on the minus strand). VCF-style: chr2-227089950-G-A. GRCh37 (hg19) VCF-style: chr2-227954666-G-A.
Identifiers: ClinVar variation 1091489 (VCV001091489.10), dbSNP rs376301372, ClinGen allele CA2145181.